The following is an entry in ClinVar:

ClinVar aggregate classification (germline): Likely benign. Review status: criteria provided, multiple submitters, no conflicts (2 of 4 stars). 3 submissions from 3 submitters: Likely benign (3). Last evaluated 2025-07-18.

Conditions:
Dilated cardiomyopathy 1W (CMD1W). Identifiers: Orphanet 154, MedGen C1969639, MONDO:0012667, OMIM 611407.

Allele frequency attached by ClinVar (database versions not stated): ExAC 0.00001; gnomAD 0.00001; gnomAD exomes 0.00001; TOPMed 0.00001.
gnomAD v4.1: 17 of 1,613,712 alleles (0.0011%); highest among the groups gnomAD compares: Non-Finnish European, 0.0014%; no homozygotes.

Submissions (3):

Labcorp Genetics (formerly Invitae), Labcorp
Classification: Likely benign for Dilated cardiomyopathy 1W. Last evaluated: 2025-07-18. Review status: criteria provided, single submitter. Criteria: Invitae Variant Classification Sherloc (09022015). Collection method: clinical testing. Allele origin: germline.

GeneDx
Classification: Likely benign. Last evaluated: 2017-01-04. Review status: criteria provided, single submitter. Criteria: GeneDx Variant Classification (06012015). Collection method: clinical testing. Allele origin: germline. Affected: yes.
Comment: This variant is considered likely benign or benign based on one or more of the following criteria: it is a conservative change, it occurs at a poorly conserved position in the protein, it is predicted to be benign by multiple in silico algorithms, and/or has population frequency not consistent with disease.

Laboratory for Molecular Medicine, Mass General Brigham Personalized Medicine
Classification: Likely benign. Last evaluated: 2014-03-24. Review status: criteria provided, single submitter. Criteria: LMM Criteria. Collection method: clinical testing. Allele origin: germline. Observed: 1 variant allele.
Comment: 874+7C>G in intron 7 of VCL: This variant is not expected to have clinical signi ficance because it is not located within the splice consensus sequence.

NM_014000.3(VCL):c.874+7C>G

Gene: VCL (vinculin; plus strand). Cytogenetic location: 10q22.2.
Variant type: single nucleotide variant.
Coding change: c.874+7C>G on transcript NM_014000.3 (MANE Select); 7 bases into the intron after coding-DNA position 874, C replaced by G.
Molecular consequence: intron variant.
Genome position (GRCh38, 1-based): chr10:74,082,551, C>G. VCF-style: chr10-74082551-C-G. GRCh37 (hg19) VCF-style: chr10-75842309-C-G.
Other names: c.874+7C>G (NM_003373.4).
Identifiers: ClinVar variation 166541 (VCV000166541.13), dbSNP rs727503737, ClinGen allele CA179601.